The following is an entry in ClinVar:

NM_000051.4(ATM):c.5357T>C (p.Phe1786Ser)

Gene: ATM (ATM serine/threonine kinase; plus strand). Cytogenetic location: 11q22.3.
Variant type: single nucleotide variant.
Coding change: c.5357T>C on transcript NM_000051.4 (MANE Select); coding-DNA position 5357, T replaced by C.
Protein change: p.Phe1786Ser; replaces phenylalanine 1786 with serine.
Molecular consequence: missense variant.
Genome position (GRCh38, 1-based): chr11:108,302,890, T>C. VCF-style: chr11-108302890-T-C. GRCh37 (hg19) VCF-style: chr11-108173617-T-C.
Other names: c.5357T>C, p.Phe1786Ser (NM_001351834.2); short protein forms F1786S.
Identifiers: ClinVar variation 439419 (VCV000439419.25), dbSNP rs1555106375, ClinGen allele CA382543300.

ClinVar aggregate classification (germline): Conflicting classifications of pathogenicity. Review status: criteria provided, conflicting classifications (1 of 4 stars). 5 submissions from 5 submitters: Uncertain significance (4); Likely benign (1). Last evaluated 2024-10-07.

Conditions:
Ataxia-telangiectasia syndrome (AT). Also called: Ataxia-telangiectasia, complementation group E; Ataxia telangiectasia (A-T); LOUIS-BAR SYNDROME; Ataxia-telangiectasia, complementation group D; ATAXIA-TELANGIECTASIA, COMPLEMENTATION GROUP A; ATAXIA-TELANGIECTASIA, FRESNO VARIANT. Identifiers: Orphanet 100, MedGen C0004135, MONDO:0008840, OMIM 208900.
Hereditary cancer-predisposing syndrome. Also called: Hereditary Cancer Syndrome; Hereditary neoplastic syndrome; Tumor predisposition; Neoplastic Syndromes, Hereditary. Identifiers: Orphanet 140162, MedGen C0027672, MeSH D009386, MONDO:0015356.

Allele frequency attached by ClinVar (database versions not stated): gnomAD exomes below 0.00001.
gnomAD v4.1: 2 of 1,613,256 alleles (0.00012%); highest among the groups gnomAD compares: Middle Eastern, 0.017%; no homozygotes.

Submissions (5):

Labcorp Genetics (formerly Invitae), Labcorp
Classification: Uncertain significance for Ataxia-telangiectasia syndrome. Last evaluated: 2024-10-07. Review status: criteria provided, single submitter. Criteria: Invitae Variant Classification Sherloc (09022015). Collection method: clinical testing. Allele origin: germline.
Comment: This sequence change replaces phenylalanine, which is neutral and non-polar, with serine, which is neutral and polar, at codon 1786 of the ATM protein (p.Phe1786Ser). This variant is not present in population databases (gnomAD no frequency). This variant has not been reported in the literature in individuals affected with ATM-related conditions. ClinVar contains an entry for this variant (Variation ID: 439419). Invitae Evidence Modeling of protein sequence and biophysical properties (such as structural, functional, and spatial information, amino acid conservation, physicochemical variation, residue mobility, and thermodynamic stability) indicates that this missense variant is not expected to disrupt ATM protein function with a negative predictive value of 95%. In summary, the available evidence is currently insufficient to determine the role of this variant in disease. Therefore, it has been classified as a Variant of Uncertain Significance.

Ambry Genetics
Classification: Likely benign for Hereditary cancer-predisposing syndrome. Last evaluated: 2024-05-23. Review status: criteria provided, single submitter. Criteria: Ambry Variant Classification Scheme 2023. Collection method: clinical testing. Allele origin: germline.

GeneDx
Classification: Uncertain significance. Last evaluated: 2024-03-20. Review status: criteria provided, single submitter. Criteria: GeneDx Variant Classification Process June 2021. Collection method: clinical testing. Allele origin: germline. Affected: yes.
Comment: Not observed at significant frequency in large population cohorts (gnomAD); In silico analysis supports that this missense variant does not alter protein structure/function; Has not been previously published as pathogenic or benign to our knowledge

Color Diagnostics, LLC DBA Color Health
Classification: Uncertain significance for Hereditary cancer-predisposing syndrome. Last evaluated: 2023-12-05. Review status: criteria provided, single submitter. Criteria: ACMG Guidelines, 2015. Collection method: clinical testing. Allele origin: germline.
Comment: This missense variant replaces phenylalanine with serine at codon 1786 of the ATM protein. Computational prediction suggests that this variant may not impact protein structure and function (internally defined REVEL score threshold <= 0.5, PMID: 27666373). To our knowledge, functional studies have not been reported for this variant. This variant has not been reported in individuals affected with ATM-related disorders in the literature. This variant has not been identified in the general population by the Genome Aggregation Database (gnomAD). The available evidence is insufficient to determine the role of this variant in disease conclusively. Therefore, this variant is classified as a Variant of Uncertain Significance.

ARUP Laboratories, Molecular Genetics and Genomics, ARUP Laboratories
Classification: Uncertain significance. Last evaluated: 2017-01-17. Review status: criteria provided, single submitter. Criteria: ARUP Molecular Germline Variant Investigation Process. Collection method: clinical testing. Allele origin: germline.